The following is an entry in ClinVar:

NM_001009944.3(PKD1):c.10652C>T (p.Pro3551Leu)

Genes: PKD1 (polycystin 1, transient receptor potential channel interacting; minus strand), PKD1-AS1 (PKD1 antisense RNA 1; plus strand). Cytogenetic location: 16p13.3.
Variant type: single nucleotide variant.
Coding change: c.10652C>T on transcript NM_001009944.3 (MANE Select); coding-DNA position 10652, C replaced by T.
Protein change: p.Pro3551Leu; replaces proline 3551 with leucine.
Molecular consequence: missense variant.
Genome position (GRCh38, 1-based): chr16:2,093,980, G>A on the plus strand (C>T on the coding strand, the complement: PKD1 is on the minus strand). VCF-style: chr16-2093980-G-A. GRCh37 (hg19) VCF-style: chr16-2143981-G-A.
Other names: c.10649C>T, p.Pro3550Leu (NM_000296.4); short protein forms P3550L, P3551L.
Identifiers: ClinVar variation 1712529 (VCV001712529.7), dbSNP rs779271659, ClinGen allele CA7829471.

ClinVar aggregate classification (germline): Uncertain significance. Review status: criteria provided, multiple submitters, no conflicts (2 of 4 stars). 5 submissions from 5 submitters: Uncertain significance (5). Last evaluated 2026-07-02.

Conditions:
Polycystic kidney disease, adult type (PKD1). Also called: Polycystic Kidney Disease 1, Autosomal Dominant; Polycystic kidney disease 1; Polycystic kidney disease 1, severe; POLYCYSTIC KIDNEY DISEASE 1 WITH OR WITHOUT POLYCYSTIC LIVER DISEASE; POLYCYSTIC KIDNEY DISEASE, ADULT, TYPE I; Polycystic Kidney, Autosomal Dominant. Identifiers: MedGen C3149841, MONDO:0008263, OMIM 173900.
PKD1-related disorder. Also called: PKD1-related condition.

Allele frequency attached by ClinVar (database versions not stated): gnomAD 0.00002; TOPMed 0.00005; ExAC 0.00005.
gnomAD v4.1: 24 of 1,586,836 alleles (0.0015%); highest among the groups gnomAD compares: African/African-American, 0.0067%; no homozygotes.

Submissions (5):

Women's Health and Genetics/Laboratory Corporation of America, LabCorp
Classification: Uncertain significance. Last evaluated: 2026-07-02. Review status: criteria provided, single submitter. Criteria: LabCorp Variant Classification Summary - May 2015. Collection method: clinical testing. Allele origin: germline.
Comment: Variant summary: PKD1 c.10652C>T (p.Pro3551Leu) results in a non-conservative amino acid change in the encoded protein sequence. Algorithms developed to predict the effect of missense changes on protein structure and function all suggest that this variant is likely to be disruptive. The variant allele was found at a frequency of 2.5e-05 in 202330 control chromosomes. The available data on variant occurrences in the general population are insufficient to allow any conclusion about variant significance. Although reported in the literature, to our knowledge, no occurrence of c.10652C>T in individuals affected with PKD1-related conditions and no experimental evidence demonstrating its impact on protein function have been reported. The following publications have been ascertained in the context of this evaluation (PMID: 40428294, 36773205). ClinVar contains an entry for this variant (Variation ID: 1712529). Based on the evidence outlined above, the variant was classified as uncertain significance.

GeneDx
Classification: Uncertain significance. Last evaluated: 2025-05-01. Review status: criteria provided, single submitter. Criteria: GeneDx Variant Classification Process June 2021. Collection method: clinical testing. Allele origin: germline.
Comment: In silico analysis supports that this missense variant has a deleterious effect on protein structure/function; This variant is associated with the following publications: (PMID: 36773205)

Fulgent Genetics
Classification: Uncertain significance for Polycystic kidney disease, adult type. Last evaluated: 2024-03-04. Review status: criteria provided, single submitter. Criteria: ACMG Guidelines, 2015. Collection method: clinical testing. Allele origin: germline.

PreventionGenetics, part of Exact Sciences
Classification: Uncertain significance for PKD1-related condition. Last evaluated: 2023-07-28. Review status: criteria provided, single submitter. Criteria: ACMG Guidelines, 2015. Collection method: clinical testing. Allele origin: germline.
Comment: The PKD1 c.10652C>T variant is predicted to result in the amino acid substitution p.Pro3551Leu. To our knowledge, this variant has not been reported in the literature. This variant is reported in 0.0095% of alleles in individuals of African descent in gnomAD. A different missense variant affecting the same residue (c.10651C>T; p.Pro3551Ser) was reported in an individual with polycystic kidney disease; however, this individual also harbored a pathogenic nonsense variant in PKD1 (Carrera et al. 2016. PubMed ID: 27499327). At this time, the clinical significance of the c.10652C>T (p.Pro3551Leu) variant is uncertain due to the absence of conclusive functional and genetic evidence.

Department of Pathology and Laboratory Medicine, Sinai Health System
Classification: Uncertain significance for Polycystic kidney disease, adult type. Last evaluated: 2021-03-11. Review status: criteria provided, single submitter. Criteria: ACMG Guidelines, 2015. Collection method: clinical testing. Allele origin: germline. Affected: yes.

Literature cited by the submitters: PubMed 36773205 (cited by Women's Health and Genetics/Laboratory Corporation of America, LabCorp); PubMed 40428294 (cited by Women's Health and Genetics/Laboratory Corporation of America, LabCorp).